The following is an entry in ClinVar:

ClinVar aggregate classification (germline): Uncertain significance. Review status: criteria provided, multiple submitters, no conflicts (2 of 4 stars). 3 submissions from 3 submitters: Uncertain significance (3). Last evaluated 2024-08-05.

Conditions:
Hereditary cancer-predisposing syndrome. Also called: Hereditary Cancer Syndrome; Tumor predisposition; Neoplastic Syndromes, Hereditary; Hereditary neoplastic syndrome. Identifiers: Orphanet 140162, MedGen C0027672, MeSH D009386, MONDO:0015356.
DICER1-related tumor predisposition. Also called: DICER1-related pleuropulmonary blastoma cancer predisposition syndrome; DICER1 syndrome. Identifiers: Orphanet 284343, MedGen C3839822, MONDO:0100216.

Allele frequency attached by ClinVar (database versions not stated): gnomAD exomes below 0.00001; TOPMed below 0.00001.

Submissions (3):

Ambry Genetics
Classification: Uncertain significance for Hereditary cancer-predisposing syndrome. Last evaluated: 2024-08-05. Review status: criteria provided, single submitter. Criteria: Ambry Variant Classification Scheme 2023. Collection method: clinical testing. Allele origin: germline.
Comment: The p.L16R variant (also known as c.47T>G), located in coding exon 1 of the DICER1 gene, results from a T to G substitution at nucleotide position 47. The leucine at codon 16 is replaced by arginine, an amino acid with dissimilar properties. This amino acid position is conserved. In addition, this alteration is predicted to be deleterious by in silico analysis. Based on the available evidence, the clinical significance of this variant remains unclear.

Labcorp Genetics (formerly Invitae), Labcorp
Classification: Uncertain significance for DICER1-related tumor predisposition. Last evaluated: 2022-07-29. Review status: criteria provided, single submitter. Criteria: Invitae Variant Classification Sherloc (09022015). Collection method: clinical testing. Allele origin: germline.
Comment: In summary, the available evidence is currently insufficient to determine the role of this variant in disease. Therefore, it has been classified as a Variant of Uncertain Significance. Algorithms developed to predict the effect of missense changes on protein structure and function are either unavailable or do not agree on the potential impact of this missense change (SIFT: "Deleterious"; PolyPhen-2: "Probably Damaging"; Align-GVGD: "Class C0"). ClinVar contains an entry for this variant (Variation ID: 648573). This variant has not been reported in the literature in individuals affected with DICER1-related conditions. This variant is not present in population databases (gnomAD no frequency). This sequence change replaces leucine, which is neutral and non-polar, with arginine, which is basic and polar, at codon 16 of the DICER1 protein (p.Leu16Arg).

GeneDx
Classification: Uncertain significance. Last evaluated: 2018-06-08. Review status: criteria provided, single submitter. Criteria: GeneDx Variant Classification Process June 2021. Collection method: clinical testing. Allele origin: germline. Affected: yes.
Comment: Not observed in large population cohorts (Lek et al., 2016); In silico analysis supports that this missense variant does not alter protein structure/function; Has not been previously published as pathogenic or benign to our knowledge

NM_177438.3(DICER1):c.47T>G (p.Leu16Arg)

Gene: DICER1 (dicer 1, ribonuclease III; minus strand). Cytogenetic location: 14q32.13.
Variant type: single nucleotide variant.
Coding change: c.47T>G on transcript NM_177438.3 (MANE Select); coding-DNA position 47, T replaced by G.
Protein change: p.Leu16Arg; replaces leucine 16 with arginine.
Molecular consequence: missense variant.
Genome position (GRCh38, 1-based): chr14:95,133,412, A>C on the plus strand (T>G on the coding strand, the complement: DICER1 is on the minus strand). VCF-style: chr14-95133412-A-C. GRCh37 (hg19) VCF-style: chr14-95599749-A-C.
Other names: c.47T>G, p.Leu16Arg (NM_001271282.3, NM_001291628.2, NM_030621.4 and 1 more transcripts); short protein forms L16R.
Identifiers: ClinVar variation 648573 (VCV000648573.12), dbSNP rs1595469050, ClinGen allele CA390890689.
Genomic context (GRCh38, chr14:95,133,412, plus strand): 5'-GCTTCTTGTTGCCATGGCAGTCCAAAGAAAGGACCCATTGGTGAGGAAGCAGGGGTCATG[A>C]GCTGCAGGCCTGCCATGCTGAGGGGTTGCAAAGCAGGGCTTTTCATTCATCCAGTGTTTC-3'
Protein context (NP_803187.1, residues 6-26): LQPLSMAGLQ[Leu16Arg]MTPASSPMGP